The following is an entry in ClinVar:

NM_000271.5(NPC1):c.1996A>G (p.Ser666Gly)

Gene: NPC1 (NPC intracellular cholesterol transporter 1; minus strand). Cytogenetic location: 18q11.2.
Variant type: single nucleotide variant.
Coding change: c.1996A>G on transcript NM_000271.5 (MANE Select); coding-DNA position 1996, A replaced by G.
Protein change: p.Ser666Gly; replaces serine 666 with glycine.
Molecular consequence: missense variant.
Genome position (GRCh38, 1-based): chr18:23,544,478, T>C on the plus strand (A>G on the coding strand, the complement: NPC1 is on the minus strand). VCF-style: chr18-23544478-T-C. GRCh37 (hg19) VCF-style: chr18-21124442-T-C.
Other names: short protein forms S666G.
Identifiers: ClinVar variation 4802997 (VCV004802997.1).
Genomic context (GRCh38, chr18:23,544,478, plus strand): 5'-CAATGAGGGTCAAGGGCAACCCAATGTAGCTGAAGACACCCAAGGAGCAAGCCACCGAGC[T>C]CAGCACGATCAAGATGCCCGCGATGCCTAGTGAGACCTTCGAATCCACCTGAGAGAGGCG-3'
Protein context (NP_000262.2, residues 656-676): LGIAGILIVL[Ser666Gly]SVACSLGVFS

ClinVar aggregate classification (germline): Uncertain significance (1 of 4 stars; one submission).

Conditions:
Niemann-Pick disease, type C1. Also called: NEUROVISCERAL STORAGE DISEASE WITH VERTICAL SUPRANUCLEAR OPHTHALMOPLEGIA; NIEMANN-PICK DISEASE WITH CHOLESTEROL ESTERIFICATION BLOCK; NIEMANN-PICK DISEASE WITHOUT SPHINGOMYELINASE DEFICIENCY; NIEMANN-PICK DISEASE, CHRONIC NEURONOPATHIC FORM; NIEMANN-PICK DISEASE, VARIANT TYPE C1. Identifiers: Orphanet 646, MedGen C3179455, MONDO:0009757, OMIM 257220.

Submission:

Labcorp Genetics (formerly Invitae), Labcorp
Classification: Uncertain significance for Niemann-Pick disease, type C1. Last evaluated: 2026-01-13. Review status: criteria provided, single submitter. Criteria: Invitae Variant Classification Sherloc (09022015). Collection method: clinical testing. Allele origin: germline.
Comment: This sequence change replaces serine, which is neutral and polar, with glycine, which is neutral and non-polar, at codon 666 of the NPC1 protein (p.Ser666Gly). This variant is not present in population databases (gnomAD no frequency). This variant has not been reported in the literature in individuals affected with NPC1-related conditions. Invitae Evidence Modeling of protein sequence and biophysical properties (such as structural, functional, and spatial information, amino acid conservation, physicochemical variation, residue mobility, and thermodynamic stability) indicates that this missense variant is not expected to disrupt NPC1 protein function with a negative predictive value of 95%. In summary, the available evidence is currently insufficient to determine the role of this variant in disease. Therefore, it has been classified as a Variant of Uncertain Significance.